The following is an entry in ClinVar:

ClinVar aggregate classification (germline): Pathogenic/Likely pathogenic. Review status: criteria provided, multiple submitters, no conflicts (2 of 4 stars). 2 submissions from 2 submitters: Pathogenic (1); Likely pathogenic (1). Last evaluated 2025-08-08.

Conditions:
Familial hypokalemia-hypomagnesemia (GTLMNS). Also called: HYPOMAGNESEMIA-HYPOKALEMIA, PRIMARY RENOTUBULAR, WITH HYPOCALCIURIA; POTASSIUM AND MAGNESIUM DEPLETION; gitelman syndrome. Identifiers: Orphanet 358, MedGen C0268450, MONDO:0009904, OMIM 263800.

Submissions (2):

3billion
Classification: Likely pathogenic for Familial hypokalemia-hypomagnesemia. Last evaluated: 2025-08-08. Review status: criteria provided, single submitter. Criteria: ACMG Guidelines, 2015. Collection method: clinical testing. Allele origin: germline. Affected: yes.
Comment: The variant is not observed in the gnomAD v4.1.0 dataset. Predicted Consequence/Location: Inframe insertion located in a nonrepeat region: predicted to change the length of the protein and disrupt normal protein function. The variant has been reported to be associated with SLC12A3-related disorder (ClinVar ID:VCV002577273 / 3billion dataset). The variant has been reported to be in trans with a pathogenic variant as either compound heterozygous or homozygous in at least 2 similarly affected unrelated individuals (PMID: 30596175). Therefore, this variant is classified as Likely pathogenic according to the recommendation of ACMG/AMP guideline.

Women's Health and Genetics/Laboratory Corporation of America, LabCorp
Classification: Pathogenic for Familial hypokalemia-hypomagnesemia. Last evaluated: 2023-07-28. Review status: criteria provided, single submitter. Criteria: LabCorp Variant Classification Summary - May 2015. Collection method: clinical testing. Allele origin: germline.
Comment: Variant summary: SLC12A3 c.788_805dup18 (p.Ile263_Val268dup) results in an in-frame duplication that is predicted to duplicate six amino acids in the Amino acid permease/ SLC12A domain (IPR004841) of the encoded protein. The variant was absent in 251464 control chromosomes. c.788_805dup18 has been reported in the literature as a homozygous or compound heterozygous genotype in individuals affected with Familial Hypokalemia-Hypomagnesemia (Gitelman syndrome) (example, Fujimara_2019, Tajima_2002, Mori_2021). In these reports, it has also been variably annotated as c.805_806insATTGGCGTGGTCTCGGTC resulting in the identical amino acid change (p.Ile263_Val268dup) (Mori_2021 citing Tajima_2002). Additionally, the HGMD database lists a different variant, c.805_806ins18 (CI023563) resulting in a slightly different amino acid change [p.(Val268_Thr269insIleGlyValValSerVal)] while citing Tajima_2002 ascertained above. A closer review of the sequence indicates that these two variants may be identical. These data indicate that c.788_805dup18 (p.Ile263_Val268dup) is located in a critically important region and is likely to be associated with disease. To our knowledge, no experimental evidence demonstrating an impact on protein function has been reported. No submitters have cited clinical-significance assessments for this variant to ClinVar after 2014. Based on the evidence outlined above, the variant was classified as pathogenic.

Literature cited by the submitters: PubMed 30596175 (cited by 3billion and Women's Health and Genetics/Laboratory Corporation of America, LabCorp); PubMed 33348466 (cited by Women's Health and Genetics/Laboratory Corporation of America, LabCorp); PubMed 12008755 (cited by Women's Health and Genetics/Laboratory Corporation of America, LabCorp).

NM_001126108.2(SLC12A3):c.791delinsGCGTGGTCTCGGTCATTGG (p.Ala264delinsGlyValValSerValIleGly)

Gene: SLC12A3 (solute carrier family 12 member 3; plus strand). Cytogenetic location: 16q13.
Variant type: Indel.
Coding change: c.791delinsGCGTGGTCTCGGTCATTGG on transcript NM_001126108.2 (MANE Select); coding-DNA position 791, C replaced by GCGTGGTCTCGGTCATTGG.
Protein change: p.Ala264delinsGlyValValSerValIleGly.
Molecular consequence: inframe indel.
Genome position (GRCh38, 1-based): chr16:56,870,675, C replaced by GCGTGGTCTCGGTCATTGG. VCF-style: chr16-56870675-C-GCGTGGTCTCGGTCATTGG. GRCh37 (hg19) VCF-style: chr16-56904587-C-GCGTGGTCTCGGTCATTGG.
Other names: c.791delinsGCGTGGTCTCGGTCATTGG, p.Ala264delinsGlyValValSerValIleGly (NM_000339.3); c.788delinsGCGTGGTCTCGGTCATTGG, p.Ala263delinsGlyValValSerValIleGly (NM_001126107.2); c.788_805dup18 (NM_000339.2).
Identifiers: ClinVar variation 2577273 (VCV002577273.2), dbSNP rs2055081574, ClinGen allele CA1139664709.
Genomic context (GRCh38, chr16:56,870,675, plus strand): 5'-TCCCTCCCCAGGAGTATGGGGCACCCATCGTGGACCCCATTAACGACATCCGCATCATTG[C>GCGTGGTCTCGGTCATTGG]CGTGGTCTCGGTCACTGTGCTGCTGGCCATCTCCCTGGCTGGCATGGAGTGGGAGTCCAA-3'